The following is an entry in ClinVar:

NM_021942.6(TRAPPC11):c.2266G>A (p.Val756Ile)

Genes: TRAPPC11 (trafficking protein particle complex subunit 11; plus strand), LOC126807238 (BRD4-independent group 4 enhancer GRCh37_chr4:184614366-184615565; plus strand). Cytogenetic location: 4q35.1.
Variant type: single nucleotide variant.
Coding change: c.2266G>A on transcript NM_021942.6 (MANE Select); coding-DNA position 2266, G replaced by A.
Protein change: p.Val756Ile; replaces valine 756 with isoleucine.
Molecular consequence: missense variant.
Genome position (GRCh38, 1-based): chr4:183,693,617, G>A. VCF-style: chr4-183693617-G-A. GRCh37 (hg19) VCF-style: chr4-184614770-G-A.
Other names: c.2266G>A, p.Val756Ile (NM_199053.3); short protein forms V756I.
Identifiers: ClinVar variation 2124374 (VCV002124374.1), dbSNP rs1398414797, ClinGen allele CA358871191.

ClinVar aggregate classification (germline): Uncertain significance (1 of 4 stars; one submission).

Conditions:
Autosomal recessive limb-girdle muscular dystrophy type R18 (LGMDR18). Also called: Limb-girdle muscular dystrophy, type 2S; Autosomal recessive limb-girdle muscular dystrophy type 2S; MUSCULAR DYSTROPHY, LIMB-GIRDLE, AUTOSOMAL RECESSIVE 18. Identifiers: Orphanet 369840, MedGen C4517996, MONDO:0014144, OMIM 615356.

Allele frequency attached by ClinVar (database versions not stated): gnomAD exomes below 0.00001; gnomAD 0.00001.
gnomAD v4.1: 5 of 1,613,328 alleles (0.00031%); highest among the groups gnomAD compares: South Asian, 0.0011%; no homozygotes.

Submission:

Labcorp Genetics (formerly Invitae), Labcorp
Classification: Uncertain significance for Autosomal recessive limb-girdle muscular dystrophy type R18. Last evaluated: 2022-10-25. Review status: criteria provided, single submitter. Criteria: Invitae Variant Classification Sherloc (09022015). Collection method: clinical testing. Allele origin: germline.
Comment: This sequence change replaces valine, which is neutral and non-polar, with isoleucine, which is neutral and non-polar, at codon 756 of the TRAPPC11 protein (p.Val756Ile). This variant is present in population databases (no rsID available, gnomAD 0.007%). This variant has not been reported in the literature in individuals affected with TRAPPC11-related conditions. Advanced modeling of protein sequence and biophysical properties (such as structural, functional, and spatial information, amino acid conservation, physicochemical variation, residue mobility, and thermodynamic stability) performed at Invitae indicates that this missense variant is not expected to disrupt TRAPPC11 protein function. In summary, the available evidence is currently insufficient to determine the role of this variant in disease. Therefore, it has been classified as a Variant of Uncertain Significance.